The following is an entry in ClinVar:

ClinVar aggregate classification (germline): Uncertain significance. Review status: criteria provided, multiple submitters, no conflicts (2 of 4 stars). 2 submissions from 2 submitters: Uncertain significance (2). Last evaluated 2024-07-30.

Conditions:
Medulloblastoma (MDB). Also called: Medulloblastoma, somatic; MEDULLOBLASTOMA PREDISPOSITION SYNDROME. Identifiers: Orphanet 616, MedGen C0025149, MeSH D008527, MONDO:0007959, OMIM 155255, HP:0002885.
Gorlin syndrome. Also called: Nevoid Basal Cell Carcinoma Syndrome; Basal cell nevus syndrome. Identifiers: Orphanet 377, MedGen C0004779, MONDO:0007187.
Hereditary cancer-predisposing syndrome. Also called: Hereditary neoplastic syndrome; Neoplastic Syndromes, Hereditary; Tumor predisposition; Hereditary Cancer Syndrome. Identifiers: Orphanet 140162, MedGen C0027672, MeSH D009386, MONDO:0015356.

Allele frequency attached by ClinVar (database versions not stated): TOPMed below 0.00001.

Submissions (2):

Labcorp Genetics (formerly Invitae), Labcorp
Classification: Uncertain significance for Gorlin syndrome; Medulloblastoma. Last evaluated: 2024-07-30. Review status: criteria provided, single submitter. Criteria: Invitae Variant Classification Sherloc (09022015). Collection method: clinical testing. Allele origin: germline.
Comment: This sequence change replaces histidine, which is basic and polar, with tyrosine, which is neutral and polar, at codon 164 of the SUFU protein (p.His164Tyr). This variant is not present in population databases (gnomAD no frequency). This variant has not been reported in the literature in individuals affected with SUFU-related conditions. ClinVar contains an entry for this variant (Variation ID: 1022336). Advanced modeling of protein sequence and biophysical properties (such as structural, functional, and spatial information, amino acid conservation, physicochemical variation, residue mobility, and thermodynamic stability) performed at Invitae indicates that this missense variant is expected to disrupt SUFU protein function with a positive predictive value of 80%. In summary, the available evidence is currently insufficient to determine the role of this variant in disease. Therefore, it has been classified as a Variant of Uncertain Significance.

Ambry Genetics
Classification: Uncertain significance for Hereditary cancer-predisposing syndrome. Last evaluated: 2023-01-21. Review status: criteria provided, single submitter. Criteria: Ambry Variant Classification Scheme 2023. Collection method: clinical testing. Allele origin: germline.
Comment: The p.H164Y variant (also known as c.490C>T), located in coding exon 4 of the SUFU gene, results from a C to T substitution at nucleotide position 490. The histidine at codon 164 is replaced by tyrosine, an amino acid with similar properties. This amino acid position is conserved. In addition, this alteration is predicted to be deleterious by in silico analysis. Since supporting evidence is limited at this time, the clinical significance of this alteration remains unclear.

NM_016169.4(SUFU):c.490C>T (p.His164Tyr)

Gene: SUFU (SUFU negative regulator of hedgehog signaling; plus strand). Cytogenetic location: 10q24.32.
Variant type: single nucleotide variant.
Coding change: c.490C>T on transcript NM_016169.4 (MANE Select); coding-DNA position 490, C replaced by T.
Protein change: p.His164Tyr; replaces histidine 164 with tyrosine.
Molecular consequence: missense variant.
Genome position (GRCh38, 1-based): chr10:102,592,617, C>T. VCF-style: chr10-102592617-C-T. GRCh37 (hg19) VCF-style: chr10-104352374-C-T.
Other names: c.490C>T, p.His164Tyr (NM_001178133.2); c.490C>T (NM_016169.3); short protein forms H164Y.
Identifiers: ClinVar variation 1022336 (VCV001022336.10), dbSNP rs2063415325, ClinGen allele CA377908204.
Genomic context (GRCh38, chr10:102,592,617, plus strand): 5'-GAGGATCCTTGTATCTCTCCCACAGAGAACACCTTCTGCAGTGGGGACCATGTGTCCTGG[C>T]ACAGCCCTTTGGATAACAGTGAGTCAAGAATTCAGCACATGCTGCTGACAGAGGACCCAC-3'
Protein context (NP_057253.2, residues 154-174): TFCSGDHVSW[His164Tyr]SPLDNSESRI